The following is an entry in ClinVar:

ClinVar aggregate classification (germline): Uncertain significance. Review status: criteria provided, multiple submitters, no conflicts (2 of 4 stars). 2 submissions from 2 submitters: Uncertain significance (2). Last evaluated 2025-10-30.

Conditions:
Inborn genetic diseases. Identifiers: MedGen C0950123, MeSH D030342.

Allele frequency attached by ClinVar (database versions not stated): TOPMed 0.00003; gnomAD 0.00005; ExAC 0.00008; ESP Exome Variant Server 0.00015.

Submissions (2):

Ambry Genetics
Classification: Uncertain significance for Inborn genetic diseases. Last evaluated: 2025-10-30. Review status: criteria provided, single submitter. Criteria: Ambry Variant Classification Scheme 2023. Collection method: clinical testing. Allele origin: germline.

Labcorp Genetics (formerly Invitae), Labcorp
Classification: Uncertain significance. Last evaluated: 2024-06-03. Review status: criteria provided, single submitter. Criteria: Invitae Variant Classification Sherloc (09022015). Collection method: clinical testing. Allele origin: germline.
Comment: This sequence change replaces phenylalanine, which is neutral and non-polar, with tyrosine, which is neutral and polar, at codon 221 of the HOXA13 protein (p.Phe221Tyr). This variant is present in population databases (rs139336802, gnomAD 0.04%), and has an allele count higher than expected for a pathogenic variant. This variant has not been reported in the literature in individuals affected with HOXA13-related conditions. ClinVar contains an entry for this variant (Variation ID: 2414284). Advanced modeling of protein sequence and biophysical properties (such as structural, functional, and spatial information, amino acid conservation, physicochemical variation, residue mobility, and thermodynamic stability) performed at Invitae indicates that this missense variant is not expected to disrupt HOXA13 protein function with a negative predictive value of 80%. In summary, the available evidence is currently insufficient to determine the role of this variant in disease. Therefore, it has been classified as a Variant of Uncertain Significance.

NM_000522.5(HOXA13):c.662T>A (p.Phe221Tyr)

Genes: HOXA13 (homeobox A13; minus strand), LOC107126288 (NUP98-HOXA13 recombination region; plus strand). Cytogenetic location: 7p15.2.
Variant type: single nucleotide variant.
Coding change: c.662T>A on transcript NM_000522.5 (MANE Select); coding-DNA position 662, T replaced by A.
Protein change: p.Phe221Tyr; replaces phenylalanine 221 with tyrosine.
Molecular consequence: missense variant.
Genome position (GRCh38, 1-based): chr7:27,199,416, A>T on the plus strand (T>A on the coding strand, the complement: HOXA13 is on the minus strand). VCF-style: chr7-27199416-A-T. GRCh37 (hg19) VCF-style: chr7-27239035-A-T.
Other names: c.662T>A (NM_000522.4); short protein forms F221Y.
Identifiers: ClinVar variation 2414284 (VCV002414284.9), dbSNP rs139336802, ClinGen allele CA4198638.